The following is an entry in ClinVar:

NM_000492.4(CFTR):c.2594G>T (p.Trp865Leu)

Gene: CFTR (CF transmembrane conductance regulator; plus strand). Cytogenetic location: 7q31.2.
Variant type: single nucleotide variant.
Coding change: c.2594G>T on transcript NM_000492.4 (MANE Select); coding-DNA position 2594, G replaced by T.
Protein change: p.Trp865Leu; replaces tryptophan 865 with leucine.
Molecular consequence: missense variant.
Genome position (GRCh38, 1-based): chr7:117,595,033, G>T. VCF-style: chr7-117595033-G-T. GRCh37 (hg19) VCF-style: chr7-117235087-G-T.
Other names: short protein forms W865L.
Identifiers: ClinVar variation 4001834 (VCV004001834.1).

ClinVar aggregate classification (germline): Uncertain significance (1 of 4 stars; one submission).

Conditions:
Cystic fibrosis (CF). Also called: MUCOVISCIDOSIS. Identifiers: Orphanet 586, MedGen C0010674, MONDO:0009061, OMIM 219700. Disease mechanism: loss of function.

gnomAD v4.1: 1 of 1,612,648 alleles (0.000062%); highest among the groups gnomAD compares: Non-Finnish European, 0.000085%; no homozygotes.

Submission:

Ambry Genetics
Classification: Uncertain significance for Cystic fibrosis. Last evaluated: 2025-04-14. Review status: criteria provided, single submitter. Criteria: Ambry Variant Classification Scheme 2023. Collection method: clinical testing. Allele origin: germline.
Comment: The p.W865L variant (also known as c.2594G>T), located in coding exon 15 of the CFTR gene, results from a G to T substitution at nucleotide position 2594. The tryptophan at codon 865 is replaced by leucine, an amino acid with similar properties. This amino acid position is not well conserved in available vertebrate species. In addition, the in silico prediction for this alteration is inconclusive. Based on the available evidence, the clinical significance of this variant remains unclear.